The following is an entry in ClinVar:

ClinVar aggregate classification (germline): Uncertain significance. Review status: criteria provided, multiple submitters, no conflicts (2 of 4 stars). 3 submissions from 3 submitters: Uncertain significance (3). Last evaluated 2025-06-27.

Conditions:
Hereditary cancer-predisposing syndrome. Also called: Tumor predisposition; Neoplastic Syndromes, Hereditary; Hereditary neoplastic syndrome; Hereditary Cancer Syndrome. Identifiers: Orphanet 140162, MedGen C0027672, MeSH D009386, MONDO:0015356.
Familial adenomatous polyposis 1 (FAP1). Also called: FAMILIAL ADENOMATOUS POLYPOSIS 1, ATTENUATED; POLYPOSIS, ADENOMATOUS INTESTINAL. Identifiers: MedGen C2713442, MONDO:0021056, OMIM 175100. Disease mechanism: loss of function.

Allele frequency attached by ClinVar (database versions not stated): TOPMed 0.00001.

Submissions (3):

Labcorp Genetics (formerly Invitae), Labcorp
Classification: Uncertain significance for Familial adenomatous polyposis 1. Last evaluated: 2025-06-27. Review status: criteria provided, single submitter. Criteria: Invitae Variant Classification Sherloc (09022015). Collection method: clinical testing. Allele origin: germline.
Comment: This sequence change replaces threonine, which is neutral and polar, with alanine, which is neutral and non-polar, at codon 1898 of the APC protein (p.Thr1898Ala). This variant is not present in population databases (gnomAD no frequency). This variant has not been reported in the literature in individuals affected with APC-related conditions. ClinVar contains an entry for this variant (Variation ID: 188211). Invitae Evidence Modeling of protein sequence and biophysical properties (such as structural, functional, and spatial information, amino acid conservation, physicochemical variation, residue mobility, and thermodynamic stability) indicates that this missense variant is not expected to disrupt APC protein function with a negative predictive value of 95%. In summary, the available evidence is currently insufficient to determine the role of this variant in disease. Therefore, it has been classified as a Variant of Uncertain Significance.

Ambry Genetics
Classification: Uncertain significance for Hereditary cancer-predisposing syndrome. Last evaluated: 2024-09-15. Review status: criteria provided, single submitter. Criteria: Ambry Variant Classification Scheme 2023. Collection method: clinical testing. Allele origin: germline.
Comment: The p.T1898A variant (also known as c.5692A>G), located in coding exon 15 of the APC gene, results from an A to G substitution at nucleotide position 5692. The threonine at codon 1898 is replaced by alanine, an amino acid with similar properties. This amino acid position is conserved. In addition, in silico predictors for this gene do not accurately predict pathogenicity. Based on the available evidence, the clinical significance of this variant remains unclear.

Blueprint Genetics
Classification: Uncertain significance. Last evaluated: 2023-03-17. Review status: criteria provided, single submitter. Criteria: ACMG Guidelines, 2015. Collection method: clinical testing. Allele origin: germline.

NM_000038.6(APC):c.5692A>G (p.Thr1898Ala)

Gene: APC (APC regulator of Wnt signaling pathway; plus strand). Cytogenetic location: 5q22.2.
Variant type: single nucleotide variant.
Coding change: c.5692A>G on transcript NM_000038.6 (MANE Select); coding-DNA position 5692, A replaced by G.
Protein change: p.Thr1898Ala; replaces threonine 1898 with alanine.
Molecular consequence: missense variant.
Genome position (GRCh38, 1-based): chr5:112,841,286, A>G. VCF-style: chr5-112841286-A-G. GRCh37 (hg19) VCF-style: chr5-112176983-A-G.
Other names: c.5692A>G, p.Thr1898Ala (NM_001127510.3, NM_001354895.2); c.5638A>G, p.Thr1880Ala (NM_001127511.3); c.5746A>G, p.Thr1916Ala (NM_001354896.2); c.5722A>G, p.Thr1908Ala (NM_001354897.2); c.5617A>G, p.Thr1873Ala (NM_001354898.2); c.5608A>G, p.Thr1870Ala (NM_001354899.2); c.5569A>G, p.Thr1857Ala (NM_001354900.2); c.5515A>G, p.Thr1839Ala (NM_001354901.2); and 5 more; short protein forms T1880A, T1898A, T1839A, T1857A, T1870A, T1615A, T1738A, T1908A.
Identifiers: ClinVar variation 188211 (VCV000188211.14), dbSNP rs786204149, ClinGen allele CA010602.